The following is an entry in ClinVar:

NM_002294.3(LAMP2):c.1093+2544A>G

Gene: LAMP2 (lysosome associated membrane protein 2; minus strand). Cytogenetic location: Xq24.
Variant type: single nucleotide variant.
Coding change: c.1093+2544A>G on transcript NM_002294.3 (MANE Select); 2544 bases into the intron after coding-DNA position 1093, A replaced by G.
Molecular consequence: intron variant. On other transcripts: missense variant (1).
Genome position (GRCh38, 1-based): chrX:120,439,186, T>C on the plus strand (A>G on the coding strand, the complement: LAMP2 is on the minus strand). VCF-style: chrX-120439186-T-C. GRCh37 (hg19) VCF-style: chrX-119573041-T-C.
Other names: p.Arg401Gly; c.1201A>G, p.Arg401Gly (NM_013995.2); c.1093+2544A>G (NM_001122606.1); short protein forms R401G.
Identifiers: ClinVar variation 409226 (VCV000409226.39), dbSNP rs777128122, ClinGen allele CA10505185.
Genomic context (GRCh38, chrX:120,439,186, plus strand): 5'-TGTAACAGAGATCACGTATTGATTAGTGTTACAGAGTCTGATATCCAGCATAACTTTTTC[T>C]TCTGCCAATTACGTAAGCAATCACTATAACGATAATCAAGCCTGAAAGACCAGCACCAAC-3'

ClinVar aggregate classification (germline): Conflicting classifications of pathogenicity. Review status: criteria provided, conflicting classifications (1 of 4 stars). 6 submissions from 6 submitters: Uncertain significance (3); Benign (1); Likely benign (2). Last evaluated 2025-06-18.

Conditions:
LAMP2-related disorder. Also called: LAMP2-related condition.
Danon disease. Also called: ANTOPOL DISEASE; PSEUDOGLYCOGENOSIS II; GSD IIb; LYSOSOMAL GLYCOGEN STORAGE DISEASE WITHOUT ACID MALTASE DEFICIENCY; Glycogen Storage Disease Type IIb. Identifiers: Orphanet 34587, MedGen C0878677, MONDO:0010281, OMIM 300257.

Allele frequency attached by ClinVar (database versions not stated): gnomAD exomes 0.00005 and 0.00020; ExAC 0.00007; gnomAD 0.00008 and 0.00009; TOPMed 0.00008.

Submissions (6):

PreventionGenetics, part of Exact Sciences
Classification: Likely benign for LAMP2-related condition. Last evaluated: 2025-06-18. Review status: criteria provided, single submitter. Criteria: ACMG Guidelines, 2015. Collection method: clinical testing. Allele origin: germline.
Comment: This variant is classified as likely benign based on ACMG/AMP sequence variant interpretation guidelines (Richards et al. 2015 PMID: 25741868, with internal and published modifications).

CeGaT Center for Human Genetics Tuebingen
Classification: Likely benign. Last evaluated: 2024-09-01. Review status: criteria provided, single submitter. Criteria: CeGaT Center For Human Genetics Tuebingen Variant Classification Criteria Version 2. Collection method: clinical testing. Allele origin: germline. Affected: yes. Observed: 2 variant alleles.
Comment: LAMP2: BP4, BS2

Mayo Clinic Laboratories, Mayo Clinic
Classification: Uncertain significance. Last evaluated: 2024-07-26. Review status: criteria provided, single submitter. Criteria: ACMG Guidelines, 2015. Collection method: clinical testing. Allele origin: germline. Observed: 1 variant allele.
Comment: BS2

GeneDx
Classification: Uncertain significance. Last evaluated: 2022-08-22. Review status: criteria provided, single submitter. Criteria: GeneDx Variant Classification Process June 2021. Collection method: clinical testing. Allele origin: germline. Affected: yes.
Comment: Located in an alternate transcript of the LAMP2 gene and has been reported previously as an isoform-specific variant; however, no additional information regarding the phenotype or the variant was provided (D'souza et al., 2014); In silico analysis supports that this missense variant has a deleterious effect on protein structure/function; This variant is associated with the following publications: (PMID: 25228319)

Labcorp Genetics (formerly Invitae), Labcorp
Classification: Benign for Danon disease. Last evaluated: 2022-08-09. Review status: criteria provided, single submitter. Criteria: Invitae Variant Classification Sherloc (09022015). Collection method: clinical testing. Allele origin: germline.

Fulgent Genetics
Classification: Uncertain significance for Danon disease. Last evaluated: 2021-10-12. Review status: criteria provided, single submitter. Criteria: ACMG Guidelines, 2015. Collection method: clinical testing. Allele origin: unknown.